The following is an entry in ClinVar:

NM_002618.4(PEX13):c.64C>T (p.Pro22Ser)

Genes: PEX13 (peroxisomal biogenesis factor 13; plus strand), PUS10 (pseudouridine synthase 10; minus strand). Cytogenetic location: 2p15.
Variant type: single nucleotide variant.
Coding change: c.64C>T on transcript NM_002618.4 (MANE Select); coding-DNA position 64, C replaced by T.
Protein change: p.Pro22Ser; replaces proline 22 with serine.
Molecular consequence: missense variant. On other transcripts: intron variant (2).
Genome position (GRCh38, 1-based): chr2:61,017,823, C>T. VCF-style: chr2-61017823-C-T. GRCh37 (hg19) VCF-style: chr2-61244958-C-T.
Other names: c.-16+185G>A (NM_144709.4); c.-623+185G>A (NM_001322127.1); short protein forms P22S.
Identifiers: ClinVar variation 1353244 (VCV001353244.5), dbSNP rs1466677796, ClinGen allele CA346937065.
Genomic context (GRCh38, chr2:61,017,823, plus strand): 5'-GCGTCCCAGCCGCCACCTCCCCCCAAACCCTGGGAGACCCGCCGAATTCCGGGAGCCGGA[C>T]CGGGACCAGGACCGGGCCCCACTTTCCAGTGAGTGTGGGATTCTTCAGGCTGTGAGTTTA-3'
Protein context (NP_002609.1, residues 12-32): WETRRIPGAG[Pro22Ser]GPGPGPTFQS

ClinVar aggregate classification (germline): Uncertain significance (1 of 4 stars; one submission).

Conditions:
Peroxisome biogenesis disorder 11A (Zellweger). Also called: Peroxisome biogenesis disorder 11A. Identifiers: Orphanet 912, MedGen C3554000, MONDO:0013949, OMIM 614883.

Allele frequency attached by ClinVar (database versions not stated): gnomAD exomes 0.00001.
gnomAD v4.1: 7 of 1,550,552 alleles (0.00045%); highest among the groups gnomAD compares: South Asian, 0.0071%; no homozygotes.

Submission:

Labcorp Genetics (formerly Invitae), Labcorp
Classification: Uncertain significance for Peroxisome biogenesis disorder 11A (Zellweger). Last evaluated: 2021-08-20. Review status: criteria provided, single submitter. Criteria: Invitae Variant Classification Sherloc (09022015). Collection method: clinical testing. Allele origin: germline.
Comment: This sequence change replaces proline with serine at codon 22 of the PEX13 protein (p.Pro22Ser). The proline residue is weakly conserved and there is a moderate physicochemical difference between proline and serine. This variant is not present in population databases (ExAC no frequency). This variant has not been reported in the literature in individuals affected with PEX13-related conditions. Algorithms developed to predict the effect of missense changes on protein structure and function output the following: SIFT: "Tolerated"; PolyPhen-2: "Benign"; Align-GVGD: "Class C0". The serine amino acid residue is found in multiple mammalian species, which suggests that this missense change does not adversely affect protein function. In summary, the available evidence is currently insufficient to determine the role of this variant in disease. Therefore, it has been classified as a Variant of Uncertain Significance.